The following is an entry in ClinVar:

NM_000218.3(KCNQ1):c.1868G>T (p.Ser623Ile)

Genes: KCNQ1 (potassium voltage-gated channel subfamily Q member 1; plus strand), KCNQ1-AS1 (KCNQ1 antisense RNA 1; minus strand). Cytogenetic location: 11p15.4.
Variant type: single nucleotide variant.
Coding change: c.1868G>T on transcript NM_000218.3 (MANE Select); coding-DNA position 1868, G replaced by T.
Protein change: p.Ser623Ile; replaces serine 623 with isoleucine.
Molecular consequence: missense variant.
Genome position (GRCh38, 1-based): chr11:2,847,840, G>T. VCF-style: chr11-2847840-G-T. GRCh37 (hg19) VCF-style: chr11-2869070-G-T.
Other names: c.1772G>T, p.Ser591Ile (NM_001406836.1); c.1598G>T, p.Ser533Ile (NM_001406837.1); c.1328G>T, p.Ser443Ile (NM_001406838.1); c.380G>T, p.Ser127Ile (NM_001406839.1); c.1487G>T, p.Ser496Ile (NM_181798.2); short protein forms S127I, S443I, S496I, S533I, S591I, S623I.
Identifiers: ClinVar variation 3073965 (VCV003073965.3), dbSNP rs758805986, ClinGen allele CA033431.
Genomic context (GRCh38, chr11:2,847,840, plus strand): 5'-ACCAGAGGCTGGCACTCATCACCGACATGCTTCACCAGCTGCTCTCCTTGCACGGTGGCA[G>T]CACCCCCGGCAGCGGCGGCCCCCCCAGAGAGGGCGGGGCCCACATCACCCAGCCCTGCGG-3'
Protein context (NP_000209.2, residues 613-633): LHQLLSLHGG[Ser623Ile]TPGSGGPPRE

ClinVar aggregate classification (germline): Uncertain significance. Review status: criteria provided, multiple submitters, no conflicts (2 of 4 stars). 3 submissions from 3 submitters: Uncertain significance (3). Last evaluated 2025-11-02.

Conditions:
Long QT syndrome (LQTS). Identifiers: MedGen C0023976, MeSH D008133, MONDO:0002442. Disease mechanism: loss of function. Inheritance: Various modes of inheritance.
Cardiac arrhythmia. Also called: Cardiac rhythm disease; Arrhythmia. Identifiers: MedGen C0003811, MONDO:0007263, HP:0011675.

Allele frequency attached by ClinVar (database versions not stated): gnomAD 0.00002; ExAC 0.00004.
gnomAD v4.1: 8 of 1,568,798 alleles (0.00051%); highest among the groups gnomAD compares: African/African-American, 0.0041%; no homozygotes.

Submissions (3):

Labcorp Genetics (formerly Invitae), Labcorp
Classification: Uncertain significance for Long QT syndrome. Last evaluated: 2025-11-02. Review status: criteria provided, single submitter. Criteria: Invitae Variant Classification Sherloc (09022015). Collection method: clinical testing. Allele origin: germline.
Comment: This sequence change replaces serine, which is neutral and polar, with isoleucine, which is neutral and non-polar, at codon 623 of the KCNQ1 protein (p.Ser623Ile). The frequency data for this variant in the population databases is considered unreliable, as metrics indicate poor data quality at this position in the gnomAD database. This variant has not been reported in the literature in individuals affected with KCNQ1-related conditions. ClinVar contains an entry for this variant (Variation ID: 3073965). Invitae Evidence Modeling of protein sequence and biophysical properties (such as structural, functional, and spatial information, amino acid conservation, physicochemical variation, residue mobility, and thermodynamic stability) indicates that this missense variant is not expected to disrupt KCNQ1 protein function with a negative predictive value of 95%. In summary, the available evidence is currently insufficient to determine the role of this variant in disease. Therefore, it has been classified as a Variant of Uncertain Significance.

Color Diagnostics, LLC DBA Color Health
Classification: Uncertain significance for Cardiac arrhythmia. Last evaluated: 2024-01-29. Review status: criteria provided, single submitter. Criteria: ACMG Guidelines, 2015. Collection method: clinical testing. Allele origin: germline.
Comment: This missense variant replaces serine with isoleucine at codon 623 of the KCNQ1 protein. Computational prediction is inconclusive regarding the impact of this variant on protein structure and function (internally defined REVEL score threshold 0.5 < inconclusive < 0.7, PMID: 27666373). To our knowledge, functional studies have not been reported for this variant. This variant has not been reported in individuals affected with KCNQ1-related disorders in the literature. This variant has not been identified in the general population by the Genome Aggregation Database (gnomAD). The available evidence is insufficient to determine the role of this variant in disease conclusively. Therefore, this variant is classified as a Variant of Uncertain Significance.

All of Us Research Program, National Institutes of Health
Classification: Uncertain significance for Long QT syndrome. Last evaluated: 2023-11-27. Review status: criteria provided, single submitter. Criteria: ACMG Guidelines, 2015. Collection method: clinical testing. Allele origin: germline. Inheritance: Autosomal dominant inheritance. Observed: 1 variant allele, 1 heterozygote.
Comment: This study involves interpretation of variants in research participants for the purpose of population health screening. Participant phenotype was not available at the time of variant classification. Additional details can be found in publication PMID: 35346344, PMCID: PMC8962531